The following is an entry in ClinVar:

NM_020549.5(CHAT):c.1383G>A (p.Val461=)

Gene: CHAT (choline O-acetyltransferase; plus strand). Cytogenetic location: 10q11.23.
Variant type: single nucleotide variant.
Coding change: c.1383G>A on transcript NM_020549.5 (MANE Select); coding-DNA position 1383, G replaced by A.
Protein change: p.Val461=; no amino-acid change (valine 461 retained).
Molecular consequence: synonymous variant.
Genome position (GRCh38, 1-based): chr10:49,649,508, G>A. VCF-style: chr10-49649508-G-A. GRCh37 (hg19) VCF-style: chr10-50857554-G-A.
Other names: c.1029G>A, p.Val343= (NM_001142929.2, NM_001142934.2, NM_020984.4 and 2 more transcripts); c.1137G>A, p.Val379= (NM_001142933.2).
Identifiers: ClinVar variation 2149492 (VCV002149492.1), dbSNP rs370918939, ClinGen allele CA5497483.
Genomic context (GRCh38, chr10:49,649,508, plus strand): 5'-GAGATGCCTCCCACAGCTGTCTGGCCGCAGAGCCTCAGGAGGTTGCCTCTGTGCCCGCAG[G>A]ACGCAGAGCAGCAGGAAGCTGATCCGAGCAGACTCCGTCAGCGAGCTCCCCGCCCCCCGG-3'
Protein context (NP_065574.4, residues 451-471): VQCTEHLLKH[Val461=]TQSSRKLIRA

ClinVar aggregate classification (germline): Uncertain significance (1 of 4 stars; one submission).

Conditions:
Familial infantile myasthenia (CMS6). Also called: Congenital myasthenic syndrome type 6; MYASTHENIC SYNDROME, PRESYNAPTIC, CONGENITAL, ASSOCIATED WITH EPISODIC APNEA; MYASTHENIC SYNDROME, CONGENITAL, 6, PRESYNAPTIC. Identifiers: Orphanet 590, MedGen C0393929, MONDO:0009689, OMIM 254210.

Allele frequency attached by ClinVar (database versions not stated): TOPMed below 0.00001; gnomAD 0.00001; gnomAD exomes 0.00001; ExAC 0.00003; ESP Exome Variant Server 0.00008.
gnomAD v4.1: 8 of 1,613,842 alleles (0.0005%); highest among the groups gnomAD compares: Middle Eastern, 0.017%; no homozygotes.

Submission:

Labcorp Genetics (formerly Invitae), Labcorp
Classification: Uncertain significance for Familial infantile myasthenia. Last evaluated: 2022-01-26. Review status: criteria provided, single submitter. Criteria: Invitae Variant Classification Sherloc (09022015). Collection method: clinical testing. Allele origin: germline.
Comment: This sequence change affects codon 461 of the CHAT mRNA. It is a 'silent' change, meaning that it does not change the encoded amino acid sequence of the CHAT protein. It affects a nucleotide within the consensus splice site. This variant is present in population databases (rs370918939, gnomAD 0.01%). This variant has not been reported in the literature in individuals affected with CHAT-related conditions. Algorithms developed to predict the effect of sequence changes on RNA splicing suggest that this variant is not likely to affect RNA splicing. In summary, the available evidence is currently insufficient to determine the role of this variant in disease. Therefore, it has been classified as a Variant of Uncertain Significance.